The following is an entry in ClinVar:

ClinVar aggregate classification (germline): Uncertain significance (1 of 4 stars; one submission).

Allele frequency attached by ClinVar (database versions not stated): gnomAD exomes below 0.00001; TOPMed below 0.00001.
gnomAD v4.1: 3 of 1,613,896 alleles (0.00019%); highest among the groups gnomAD compares: Non-Finnish European, 0.00025%; no homozygotes.

Submission:

Ambry Genetics
Classification: Uncertain significance. Last evaluated: 2023-04-18. Review status: criteria provided, single submitter. Criteria: Ambry Variant Classification Scheme 2023. Collection method: clinical testing. Allele origin: germline.
Comment: The p.P909Q variant (also known as c.2726C>A), located in coding exon 13 of the NPAT gene, results from a C to A substitution at nucleotide position 2726. The proline at codon 909 is replaced by glutamine, an amino acid with similar properties. This amino acid position is conserved. In addition, the in silico prediction for this alteration is inconclusive. Since supporting evidence is limited at this time, the clinical significance of this alteration remains unclear.

NM_002519.3(NPAT):c.2726C>A (p.Pro909Gln)

Gene: NPAT (nuclear protein, coactivator of histone transcription; minus strand). Cytogenetic location: 11q22.3.
Variant type: single nucleotide variant.
Coding change: c.2726C>A on transcript NM_002519.3 (MANE Select); coding-DNA position 2726, C replaced by A.
Protein change: p.Pro909Gln; replaces proline 909 with glutamine.
Molecular consequence: missense variant.
Genome position (GRCh38, 1-based): chr11:108,172,258, G>T on the plus strand (C>A on the coding strand, the complement: NPAT is on the minus strand). VCF-style: chr11-108172258-G-T. GRCh37 (hg19) VCF-style: chr11-108042985-G-T.
Other names: c.2726C>A, p.Pro909Gln (NM_001321307.1); short protein forms P909Q.
Identifiers: ClinVar variation 2562544 (VCV002562544.2), dbSNP rs1435741975, ClinGen allele CA382512368.